The following is an entry in ClinVar:

ClinVar aggregate classification (germline): Pathogenic (1 of 4 stars; one submission).

Conditions:
Neurofibromatosis, type 1 (NF1). Also called: Peripheral type neurofibromatosis; NEUROFIBROMATOSIS, TYPE I, SOMATIC; Neurofibromatosis, type I; VON RECKLINGHAUSEN DISEASE. Identifiers: Orphanet 636, MedGen C0027831, MONDO:0018975, OMIM 162200. Disease mechanism: loss of function.

Submission:

Labcorp Genetics (formerly Invitae), Labcorp
Classification: Pathogenic for Neurofibromatosis, type 1. Last evaluated: 2022-05-02. Review status: criteria provided, single submitter. Criteria: Invitae Variant Classification Sherloc (09022015). Collection method: clinical testing. Allele origin: germline.
Comment: This variant has not been reported in the literature in individuals affected with NF1-related conditions. This variant is not present in population databases (gnomAD no frequency). This sequence change creates a premature translational stop signal (p.Lys1531*) in the NF1 gene. It is expected to result in an absent or disrupted protein product. Loss-of-function variants in NF1 are known to be pathogenic (PMID: 10712197, 23913538). For these reasons, this variant has been classified as Pathogenic.

Literature cited by the submitters: PubMed 10712197; PubMed 23913538.

NM_001042492.3(NF1):c.4654A>T (p.Lys1552Ter)

Gene: NF1 (neurofibromin 1; plus strand). Cytogenetic location: 17q11.2.
Variant type: single nucleotide variant.
Coding change: c.4654A>T on transcript NM_001042492.3 (MANE Select); coding-DNA position 4654, A replaced by T.
Protein change: p.Lys1552Ter; replaces lysine 1552 with a stop codon.
Molecular consequence: nonsense.
Genome position (GRCh38, 1-based): chr17:31,261,787, A>T. VCF-style: chr17-31261787-A-T. GRCh37 (hg19) VCF-style: chr17-29588805-A-T.
Other names: c.4591A>T, p.Lys1531Ter (NM_000267.4); short protein forms K1531*, K1552*.
Identifiers: ClinVar variation 2132966 (VCV002132966.4), dbSNP rs2151466366, ClinGen allele CA399000379.